The following is an entry in ClinVar:

ClinVar aggregate classification (germline): Pathogenic (1 of 4 stars; one submission).

Conditions:
Polycystic kidney disease, adult type (PKD1). Also called: Polycystic kidney disease 1, severe; Polycystic Kidney Disease 1, Autosomal Dominant; Polycystic kidney disease 1; Polycystic Kidney, Autosomal Dominant; POLYCYSTIC KIDNEY DISEASE 1 WITH OR WITHOUT POLYCYSTIC LIVER DISEASE; POLYCYSTIC KIDNEY DISEASE, ADULT, TYPE I. Identifiers: MedGen C3149841, MONDO:0008263, OMIM 173900.

Submission:

Victorian Clinical Genetics Services, Murdoch Childrens Research Institute
Classification: Pathogenic for Polycystic kidney disease, adult type. Last evaluated: 2026-05-22. Review status: criteria provided, single submitter. Criteria: ACMG Guidelines, 2015. Collection method: clinical testing. Allele origin: germline. Affected: yes.
Comment: This variant is classified as Pathogenic. Evidence in support of pathogenic classification: Variant is predicted to cause nonsense-mediated decay (NMD) and loss of protein (premature termination codon is located at least 54 nucleotides upstream of the final exon-exon junction); Variant is absent from gnomAD (v2, v3 and v4); Other NMD-predicted variant(s) comparable to the one identified in this case have very strong previous evidence for pathogenicity (DECIPHER). Additional information: This variant is heterozygous; This gene is associated with autosomal dominant disease. Polycystic kidney disease 1 (MIM#173900) is predominantly caused by monoallelic variants, with rare reports of biallelic variants causing disease (OMIM); Loss of function is a known mechanism of disease in this gene and is associated with polycystic kidney disease 1 (MIM#173900).

NM_001009944.3(PKD1):c.293dup (p.Ser99fs)

Gene: PKD1 (polycystin 1, transient receptor potential channel interacting; minus strand). Cytogenetic location: 16p13.3.
Variant type: Duplication.
Coding change: c.293dup on transcript NM_001009944.3 (MANE Select); coding-DNA position 293, one base duplicated (T; older notation c.293dupT).
Protein change: p.Ser99fs; shifts the reading frame from serine 99.
Molecular consequence: frameshift variant.
Genome position (GRCh38, 1-based): chr16:2,119,180, A duplicated on the plus strand (T on the coding strand, the reverse complement: PKD1 is on the minus strand). VCF-style (leftmost placement, unchanged base first): chr16-2119179-T-TA. GRCh37 (hg19) VCF-style: chr16-2169180-T-TA.
Other names: c.293dup, p.Ser99fs (NM_000296.4); short protein forms S99fs.
Identifiers: ClinVar variation 4531593 (VCV004531593.2).